The following is an entry in ClinVar:

ClinVar aggregate classification (germline): Benign (1 of 4 stars; one submission).

Conditions:
Ceroid lipofuscinosis, neuronal, 4 (Kufs type) (CLN4). Also called: Neuronal ceroid lipofuscinosis 4B; Ceroid lipofuscinosis, neuronal, 4, Parry type. Identifiers: Orphanet 228343, Orphanet 79262, MedGen C1834207, MONDO:0008083, OMIM 162350.

Allele frequency attached by ClinVar (database versions not stated): TOPMed 0.00003; gnomAD 0.00006 and 0.00007; 1000 Genomes Project 30x 0.00031; 1000 Genomes Project 0.00040.

Submission:

Illumina Laboratory Services, Illumina
Classification: Benign for Ceroid lipofuscinosis, neuronal, 4 (Kufs type). Last evaluated: 2018-01-13. Review status: criteria provided, single submitter. Criteria: ICSL Variant Classification Criteria 13 December 2019. Collection method: clinical testing. Allele origin: germline.
Comment: This variant was observed in the ICSL laboratory as part of a predisposition screen in an ostensibly healthy population. It had not been previously curated by ICSL or reported in the Human Gene Mutation Database (HGMD: prior to June 1st, 2018), and was therefore a candidate for classification through an automated scoring system. Utilizing variant allele frequency, disease prevalence and penetrance estimates, and inheritance mode, an automated score was calculated to assess if this variant is too frequent to cause the disease. Based on the score and internal cut-off values, a variant classified as benign is not then subjected to further curation. The score for this variant resulted in a classification of benign for this disease.

NM_025219.3(DNAJC5):c.*1079T>C

Gene: DNAJC5 (DnaJ heat shock protein family (Hsp40) member C5; plus strand). Cytogenetic location: 20q13.33.
Variant type: single nucleotide variant.
Coding change: c.*1079T>C on transcript NM_025219.3 (MANE Select); 1079 bases downstream of the stop codon, T replaced by C.
Molecular consequence: 3 prime UTR variant.
Genome position (GRCh38, 1-based): chr20:63,932,647, T>C. VCF-style: chr20-63932647-T-C. GRCh37 (hg19) VCF-style: chr20-62564000-T-C.
Identifiers: ClinVar variation 339379 (VCV000339379.6), dbSNP rs370539010, ClinGen allele CA10644401.